The following is an entry in ClinVar:

NM_006231.4(POLE):c.1293G>A (p.Lys431=)

Gene: POLE (DNA polymerase epsilon, catalytic subunit; minus strand). Cytogenetic location: 12q24.33.
Variant type: single nucleotide variant.
Coding change: c.1293G>A on transcript NM_006231.4 (MANE Select); coding-DNA position 1293, G replaced by A.
Protein change: p.Lys431=; no amino-acid change (lysine 431 retained).
Molecular consequence: synonymous variant.
Genome position (GRCh38, 1-based): chr12:132,673,641, C>T on the plus strand (G>A on the coding strand, the complement: POLE is on the minus strand). VCF-style: chr12-132673641-C-T. GRCh37 (hg19) VCF-style: chr12-133250227-C-T.
Identifiers: ClinVar variation 1958547 (VCV001958547.6), dbSNP rs756257860, ClinGen allele CA6894014.

ClinVar aggregate classification (germline): Benign/Likely benign. Review status: criteria provided, multiple submitters, no conflicts (2 of 4 stars). 2 submissions from 2 submitters: Benign (1); Likely benign (1). Last evaluated 2025-02-10.

Conditions:
Colorectal cancer, susceptibility to, 12 (CRCS12). Also called: COLORECTAL CANCER, SUSCEPTIBILITY TO, ON CHROMOSOME 12q24. Identifiers: Orphanet 220460, MedGen C3554460, MONDO:0014038, OMIM 615083.

Allele frequency attached by ClinVar (database versions not stated): gnomAD exomes below 0.00001; ExAC 0.00001.
gnomAD v4.1: 1 of 1,614,034 alleles (0.000062%); highest among the groups gnomAD compares: Non-Finnish European, 0.000085%; no homozygotes.

Submissions (2):

Myriad Genetics, Inc.
Classification: Benign for Colorectal cancer, susceptibility to, 12. Last evaluated: 2025-02-10. Review status: criteria provided, single submitter. Criteria: Myriad Autosomal Dominant, Autosomal Recessive and X-Linked Classification Criteria (2023). Collection method: clinical testing. Allele origin: unknown.
Comment: This variant is considered benign. This variant is a silent/synonymous amino acid change and it is not expected to impact splicing.

Labcorp Genetics (formerly Invitae), Labcorp
Classification: Likely benign. Last evaluated: 2024-10-28. Review status: criteria provided, single submitter. Criteria: Invitae Variant Classification Sherloc (09022015). Collection method: clinical testing. Allele origin: germline.